The following is an entry in ClinVar:

ClinVar aggregate classification (germline): Benign/Likely benign. Review status: criteria provided, multiple submitters, no conflicts (2 of 4 stars). 8 submissions from 8 submitters: Benign (1); Likely benign (6). 1 of the submissions does not count toward it. Last evaluated 2026-01-21.

Conditions:
Charcot-Marie-Tooth disease type 4B3. Also called: Charcot-Marie-Tooth Neuropathy Type 4B3; CHARCOT-MARIE-TOOTH DISEASE, DEMYELINATING, TYPE 4B3. Identifiers: Orphanet 363981, MedGen C3695063, MONDO:0014117, OMIM 615284.
SBF1-related disorder. Also called: SBF1-related condition.

Allele frequency attached by ClinVar (database versions not stated): 1000 Genomes Project 30x 0.00062; 1000 Genomes Project 0.00080; TOPMed 0.00152; gnomAD 0.00218 and 0.00222; gnomAD exomes 0.00222 and 0.00310; ExAC 0.00230; ESP Exome Variant Server 0.00292.
gnomAD v4.1: 4,790 of 1,613,494 alleles (0.3%); highest among the groups gnomAD compares: Non-Finnish European, 0.35%; 14 homozygotes.

Submissions (8):

Labcorp Genetics (formerly Invitae), Labcorp
Classification: Likely benign. Last evaluated: 2026-01-21. Review status: criteria provided, single submitter. Criteria: Invitae Variant Classification Sherloc (09022015). Collection method: clinical testing. Allele origin: germline.

Women's Health and Genetics/Laboratory Corporation of America, LabCorp
Classification: Likely benign. Last evaluated: 2025-05-05. Review status: criteria provided, single submitter. Criteria: LabCorp Variant Classification Summary - May 2015. Collection method: clinical testing. Allele origin: germline.
Comment: Variant summary: SBF1 c.868G>A (p.Ala290Thr) results in a non-conservative amino acid change in the encoded protein sequence. Algorithms developed to predict the effect of missense changes on protein structure and function are either unavailable or do not agree on the potential impact of this missense change. The variant allele was found at a frequency of 0.0022 in 248804 control chromosomes in the gnomAD database, including 3 homozygotes. The observed variant frequency is approximately 2 fold of the estimated maximal expected allele frequency for a pathogenic variant in SBF1 causing Charcot-Marie-Tooth disease type 4B3 phenotype (0.0011). To our knowledge, no occurrence of c.868G>A in individuals affected with Charcot-Marie-Tooth disease type 4B3 and no experimental evidence demonstrating its impact on protein function have been reported. ClinVar contains an entry for this variant (Variation ID: 710390). Based on the evidence outlined above, the variant was classified as likely benign.

Blueprint Genetics
Classification: Likely benign. Last evaluated: 2024-11-21. Review status: criteria provided, single submitter. Criteria: ACMG Guidelines, 2015. Collection method: clinical testing. Allele origin: germline.

CeGaT Center for Human Genetics Tuebingen
Classification: Likely benign. Last evaluated: 2024-08-01. Review status: criteria provided, single submitter. Criteria: CeGaT Center For Human Genetics Tuebingen Variant Classification Criteria Version 2. Collection method: clinical testing. Allele origin: germline. Affected: yes. Observed: 5 variant alleles.
Comment: SBF1: BS2

ARUP Laboratories, Molecular Genetics and Genomics, ARUP Laboratories
Classification: Likely benign for Charcot-Marie-Tooth disease type 4B3. Last evaluated: 2022-10-21. Review status: criteria provided, single submitter. Criteria: ARUP Molecular Germline Variant Investigation Process 2021. Collection method: clinical testing. Allele origin: germline.

GeneDx
Classification: Likely benign. Last evaluated: 2021-02-25. Review status: criteria provided, single submitter. Criteria: GeneDx Variant Classification Process June 2021. Collection method: clinical testing. Allele origin: germline. Affected: yes.
Comment: This variant is associated with the following publications: (PMID: 26752306)

Mayo Clinic Laboratories, Mayo Clinic
Classification: Benign. Last evaluated: 2021-02-03. Review status: criteria provided, single submitter. Criteria: ACMG Guidelines, 2015. Collection method: clinical testing. Allele origin: germline. Observed: 8 variant alleles.

PreventionGenetics, part of Exact Sciences
Classification: Likely benign for SBF1-related condition. Last evaluated: 2019-05-13. Review status: no assertion criteria provided. Collection method: clinical testing. Allele origin: germline. Not counted in ClinVar's aggregate classification.
Comment: This variant is classified as likely benign based on ACMG/AMP sequence variant interpretation guidelines (Richards et al. 2015 PMID: 25741868, with internal and published modifications).

NM_002972.4(SBF1):c.868G>A (p.Ala290Thr)

Gene: SBF1 (SET binding factor 1; minus strand). Cytogenetic location: 22q13.33.
Variant type: single nucleotide variant.
Coding change: c.868G>A on transcript NM_002972.4 (MANE Select); coding-DNA position 868, G replaced by A.
Protein change: p.Ala290Thr; replaces alanine 290 with threonine.
Molecular consequence: missense variant.
Genome position (GRCh38, 1-based): chr22:50,466,179, C>T on the plus strand (G>A on the coding strand, the complement: SBF1 is on the minus strand). VCF-style: chr22-50466179-C-T. GRCh37 (hg19) VCF-style: chr22-50904608-C-T.
Other names: p.Ala290Thr; c.871G>A, p.Ala291Thr (NM_001365819.1); short protein forms A290T, A291T.
Identifiers: ClinVar variation 710390 (VCV000710390.51), dbSNP rs201776298, ClinGen allele CA10317936.